The following is an entry in ClinVar:

NM_006412.4(AGPAT2):c.230G>A (p.Arg77His)

Gene: AGPAT2 (1-acylglycerol-3-phosphate O-acyltransferase 2; minus strand). Cytogenetic location: 9q34.3.
Variant type: single nucleotide variant.
Coding change: c.230G>A on transcript NM_006412.4 (MANE Select); coding-DNA position 230, G replaced by A.
Protein change: p.Arg77His; replaces arginine 77 with histidine.
Molecular consequence: missense variant.
Genome position (GRCh38, 1-based): chr9:136,677,509, C>T on the plus strand (G>A on the coding strand, the complement: AGPAT2 is on the minus strand). VCF-style: chr9-136677509-C-T. GRCh37 (hg19) VCF-style: chr9-139571961-C-T.
Other names: c.230G>A, p.Arg77His (NM_001012727.2); c.230G>A (NM_006412.3); short protein forms R77H.
Identifiers: ClinVar variation 917424 (VCV000917424.10), dbSNP rs375796317, ClinGen allele CA5343102.

ClinVar aggregate classification (germline): Conflicting classifications of pathogenicity. Review status: criteria provided, conflicting classifications (1 of 4 stars). 4 submissions from 4 submitters: Uncertain significance (3); Likely benign (1). Last evaluated 2026-01-15.

Conditions:
Monogenic diabetes. Identifiers: Orphanet 183625, MedGen C3888631, MONDO:0015967.
Inborn genetic diseases. Identifiers: MedGen C0950123, MeSH D030342.
Congenital generalized lipodystrophy type 1 (CGL1). Also called: BRUNZELL SYNDROME, AGPAT2-RELATED; Berardinelli-Seip Congenital Lipodystrophy Type 1. Identifiers: Orphanet 528, Orphanet 696189, MedGen C1720862, MONDO:0012071, OMIM 608594.

Allele frequency attached by ClinVar (database versions not stated): ExAC 0.00006; ESP Exome Variant Server 0.00008; gnomAD exomes 0.00003 and 0.00012; TOPMed 0.00019; gnomAD 0.00021 and 0.00024; 1000 Genomes Project 30x 0.00031; 1000 Genomes Project 0.00040.
gnomAD v4.1: 85 of 1,612,998 alleles (0.0053%); highest among the groups gnomAD compares: African/African-American, 0.057%; 1 homozygote.

Submissions (4):

Labcorp Genetics (formerly Invitae), Labcorp
Classification: Likely benign. Last evaluated: 2026-01-15. Review status: criteria provided, single submitter. Criteria: Invitae Variant Classification Sherloc (09022015). Collection method: clinical testing. Allele origin: germline.

Ambry Genetics
Classification: Uncertain significance for Inborn genetic diseases. Last evaluated: 2024-01-24. Review status: criteria provided, single submitter. Criteria: Ambry Variant Classification Scheme 2023. Collection method: clinical testing. Allele origin: germline.

Fulgent Genetics
Classification: Uncertain significance for Congenital generalized lipodystrophy type 1. Last evaluated: 2024-01-22. Review status: criteria provided, single submitter. Criteria: ACMG Guidelines, 2015. Collection method: clinical testing. Allele origin: germline.

Personalized Diabetes Medicine Program, University of Maryland School of Medicine
Classification: Uncertain significance for Monogenic diabetes. Last evaluated: 2017-10-13. Review status: criteria provided, single submitter. Criteria: ACMG Guidelines, 2015. Collection method: research. Allele origin: unknown. Observed: 1 variant allele, 1 heterozygote.
Comment: ACMG criteria: PP3 (8 predictors), BP4 (2 predictors) =VUS